The following is an entry in ClinVar:

NM_014314.4(RIGI):c.2054T>A (p.Phe685Tyr)

Gene: RIGI (RNA sensor RIG-I; minus strand). Cytogenetic location: 9p21.1.
Variant type: single nucleotide variant.
Coding change: c.2054T>A on transcript NM_014314.4 (MANE Select); coding-DNA position 2054, T replaced by A.
Protein change: p.Phe685Tyr; replaces phenylalanine 685 with tyrosine.
Molecular consequence: missense variant. On other transcripts: intron variant (1).
Genome position (GRCh38, 1-based): chr9:32,467,893, A>T on the plus strand (T>A on the coding strand, the complement: RIGI is on the minus strand). VCF-style: chr9-32467893-A-T. GRCh37 (hg19) VCF-style: chr9-32467891-A-T.
Other names: c.2048T>A, p.Phe683Tyr (NM_001385907.1); c.1613T>A, p.Phe538Tyr (NM_001385910.1); c.1445T>A, p.Phe482Tyr (NM_001385912.1); c.2039T>A, p.Phe680Tyr (NM_001385913.1); c.1610T>A, p.Phe537Tyr (NM_001385914.1); c.2015-1452T>A (NM_001385909.1); c.2054T>A (NM_014314.3); short protein forms F538Y, F537Y, F482Y, F683Y, F680Y, F685Y.
Identifiers: ClinVar variation 1908441 (VCV001908441.6), dbSNP rs1312772180, ClinGen allele CA373146347.

ClinVar aggregate classification (germline): Uncertain significance. Review status: criteria provided, multiple submitters, no conflicts (2 of 4 stars). 2 submissions from 2 submitters: Uncertain significance (2). Last evaluated 2024-11-25.

Conditions:
Inborn genetic diseases. Identifiers: MedGen C0950123, MeSH D030342.

Allele frequency attached by ClinVar (database versions not stated): TOPMed below 0.00001; gnomAD 0.00001; gnomAD exomes 0.00002.
gnomAD v4.1: 32 of 1,612,546 alleles (0.002%); highest among the groups gnomAD compares: Non-Finnish European, 0.0027%; no homozygotes.

Submissions (2):

Ambry Genetics
Classification: Uncertain significance for Inborn genetic diseases. Last evaluated: 2024-11-25. Review status: criteria provided, single submitter. Criteria: Ambry Variant Classification Scheme 2023. Collection method: clinical testing. Allele origin: germline.

Labcorp Genetics (formerly Invitae), Labcorp
Classification: Uncertain significance. Last evaluated: 2022-03-19. Review status: criteria provided, single submitter. Criteria: Invitae Variant Classification Sherloc (09022015). Collection method: clinical testing. Allele origin: germline.
Comment: In summary, the available evidence is currently insufficient to determine the role of this variant in disease. Therefore, it has been classified as a Variant of Uncertain Significance. Algorithms developed to predict the effect of missense changes on protein structure and function are either unavailable or do not agree on the potential impact of this missense change (SIFT: "Deleterious"; PolyPhen-2: "Probably Damaging"; Align-GVGD: "Class C15"). This variant has not been reported in the literature in individuals affected with DDX58-related conditions. This variant is not present in population databases (gnomAD no frequency). This sequence change replaces phenylalanine, which is neutral and non-polar, with tyrosine, which is neutral and polar, at codon 685 of the DDX58 protein (p.Phe685Tyr).